The following is an entry in ClinVar:

ClinVar aggregate classification (germline): Uncertain significance. Review status: criteria provided, multiple submitters, no conflicts (2 of 4 stars). 9 submissions from 7 submitters: Uncertain significance (8). 1 of the submissions does not count toward it. Last evaluated 2026-01-27.

Conditions:
SLC26A4-related disorder. Also called: SLC26A4-related condition; SLC26A4-related disorders.
Autosomal recessive nonsyndromic hearing loss 4 (DFNB4). Also called: DEAFNESS, AUTOSOMAL RECESSIVE 4, WITH ENLARGED VESTIBULAR AQUEDUCT, DIGENIC; FOXI1-Related Pendred Syndrome; KCNJ10-Related Pendred Syndrome; Nonsyndromic enlarged vestibular aqueduct (NSEVA); Deafness, autosomal recessive 4, with enlarged vestibular aqueduct; NEUROSENSORY NONSYNDROMIC RECESSIVE DEAFNESS 4. Identifiers: Orphanet 90636, MedGen C3538946, MONDO:0010933, OMIM 600791.
Pendred syndrome (PDS). Also called: Pendred's syndrome; Pendred Syndrome (PDS); DEAFNESS WITH GOITER; GOITER-DEAFNESS SYNDROME; HYPOTHYROIDISM, CONGENITAL, DUE TO DYSHORMONOGENESIS, 2B; THYROID DYSHORMONOGENESIS 2B. Identifiers: Orphanet 705, MedGen C0271829, MONDO:0010134, OMIM 274600.

Allele frequency attached by ClinVar (database versions not stated): ESP Exome Variant Server 0.00023; TOPMed 0.00023; gnomAD 0.00029; 1000 Genomes Project 30x 0.00031; 1000 Genomes Project 0.00040.
gnomAD v4.1: 120 of 1,613,618 alleles (0.0074%); highest among the groups gnomAD compares: African/African-American, 0.06%; no homozygotes.

Submissions (9):

PreventionGenetics, part of Exact Sciences
Classification: Uncertain significance for SLC26A4-related condition. Last evaluated: 2026-01-27. Review status: criteria provided, single submitter. Criteria: ACMG Guidelines, 2015. Collection method: clinical testing. Allele origin: germline.
Comment: The SLC26A4 c.872G>A variant is predicted to result in the amino acid substitution p.Arg291Gln. To our knowledge, this variant has not been reported in the literature. This variant is reported in 0.068% of alleles in individuals of African descent in gnomAD. Although we suspect that this variant may be benign, at this time, the clinical significance of this variant is uncertain due to the absence of conclusive functional and genetic evidence.

Blueprint Genetics
Classification: Uncertain significance. Last evaluated: 2024-03-09. Review status: criteria provided, single submitter. Criteria: ACMG Guidelines, 2015. Collection method: clinical testing. Allele origin: germline.

GeneDx
Classification: Uncertain significance. Last evaluated: 2022-05-31. Review status: criteria provided, single submitter. Criteria: GeneDx Variant Classification Process June 2021. Collection method: clinical testing. Allele origin: germline. Affected: yes.
Comment: In silico analysis supports that this missense variant has a deleterious effect on protein structure/function; Has not been previously published as pathogenic or benign to our knowledge; This variant is associated with the following publications: (PMID: 18368581)

Genome-Nilou Lab
Classification: Uncertain significance for Autosomal recessive nonsyndromic hearing loss 4. Last evaluated: 2021-09-05. Review status: criteria provided, single submitter. Criteria: ACMG Guidelines, 2015. Collection method: clinical testing. Allele origin: germline. Affected: no.

Genome-Nilou Lab
Classification: Uncertain significance for Pendred syndrome. Last evaluated: 2021-09-05. Review status: criteria provided, single submitter. Criteria: ACMG Guidelines, 2015. Collection method: clinical testing. Allele origin: germline. Affected: no.

Revvity Omics, Revvity
Classification: Uncertain significance. Last evaluated: 2020-12-14. Review status: criteria provided, single submitter. Criteria: ACMG Guidelines, 2015. Collection method: clinical testing. Allele origin: germline.

Illumina Laboratory Services, Illumina
Classification: Uncertain significance for Autosomal recessive nonsyndromic hearing loss 4. Last evaluated: 2018-01-13. Review status: criteria provided, single submitter. Criteria: ICSL Variant Classification Criteria 13 December 2019. Collection method: clinical testing. Allele origin: germline.

Illumina Laboratory Services, Illumina
Classification: Uncertain significance for Pendred syndrome. Last evaluated: 2018-01-13. Review status: criteria provided, single submitter. Criteria: ICSL Variant Classification Criteria 13 December 2019. Collection method: clinical testing. Allele origin: germline.

Natera, Inc.
Classification: Uncertain significance for Pendred syndrome. Last evaluated: 2020-02-06. Review status: no assertion criteria provided. Collection method: clinical testing. Allele origin: germline. Not counted in ClinVar's aggregate classification.

NM_000441.2(SLC26A4):c.872G>A (p.Arg291Gln)

Gene: SLC26A4 (solute carrier family 26 member 4; plus strand). Cytogenetic location: 7q22.3.
Variant type: single nucleotide variant.
Coding change: c.872G>A on transcript NM_000441.2 (MANE Select); coding-DNA position 872, G replaced by A.
Protein change: p.Arg291Gln; replaces arginine 291 with glutamine.
Molecular consequence: missense variant.
Genome position (GRCh38, 1-based): chr7:107,683,308, G>A. VCF-style: chr7-107683308-G-A. GRCh37 (hg19) VCF-style: chr7-107323753-G-A.
Other names: short protein forms R291Q.
Identifiers: ClinVar variation 358496 (VCV000358496.19), dbSNP rs138816005, ClinGen allele CA4432599.
Genomic context (GRCh38, chr7:107,683,308, plus strand): 5'-ATTTCACTGCTGGATTGCTCACCATTGTCGTCTGTATGGCAGTTAAGGAATTAAATGATC[G>A]GTTTAGACACAAAATCCCAGTCCCTATTCCTATAGAAGTAATTGTGGTAAGTAGAATATG-3'
Protein context (NP_000432.1, residues 281-301): VCMAVKELND[Arg291Gln]FRHKIPVPIP